The following is an entry in ClinVar:

NM_004320.6(ATP2A1):c.2398G>A (p.Asp800Asn)

Gene: ATP2A1 (ATPase sarcoplasmic/endoplasmic reticulum Ca2+ transporting 1; plus strand). Cytogenetic location: 16p11.2.
Variant type: single nucleotide variant.
Coding change: c.2398G>A on transcript NM_004320.6 (MANE Select); coding-DNA position 2398, G replaced by A.
Protein change: p.Asp800Asn; replaces aspartic acid 800 with asparagine.
Molecular consequence: missense variant.
Genome position (GRCh38, 1-based): chr16:28,902,260, G>A. VCF-style: chr16-28902260-G-A. GRCh37 (hg19) VCF-style: chr16-28913581-G-A.
Other names: c.2023G>A, p.Asp675Asn (NM_001286075.2); c.2398G>A, p.Asp800Asn (NM_173201.5); short protein forms D675N, D800N.
Identifiers: ClinVar variation 2058666 (VCV002058666.4), dbSNP rs752797728, ClinGen allele CA7987250.

ClinVar aggregate classification (germline): Uncertain significance (1 of 4 stars; one submission).

Conditions:
Brody myopathy. Also called: BRODY DISEASE. Identifiers: Orphanet 53347, MedGen C1832918, MONDO:0010977, OMIM 601003.

Allele frequency attached by ClinVar (database versions not stated): gnomAD exomes below 0.00001; ExAC 0.00001; gnomAD 0.00001; TOPMed 0.00001.
gnomAD v4.1: 7 of 1,614,002 alleles (0.00043%); highest among the groups gnomAD compares: Non-Finnish European, 0.00059%; no homozygotes.

Submission:

Labcorp Genetics (formerly Invitae), Labcorp
Classification: Uncertain significance for Brody myopathy. Last evaluated: 2023-11-13. Review status: criteria provided, single submitter. Criteria: Invitae Variant Classification Sherloc (09022015). Collection method: clinical testing. Allele origin: germline.
Comment: This sequence change replaces aspartic acid, which is acidic and polar, with asparagine, which is neutral and polar, at codon 800 of the ATP2A1 protein (p.Asp800Asn). This variant is present in population databases (rs752797728, gnomAD 0.006%). This variant has not been reported in the literature in individuals affected with ATP2A1-related conditions. ClinVar contains an entry for this variant (Variation ID: 2058666). An algorithm developed to predict the effect of missense changes on protein structure and function (PolyPhen-2) suggests that this variant is likely to be disruptive. In summary, the available evidence is currently insufficient to determine the role of this variant in disease. Therefore, it has been classified as a Variant of Uncertain Significance.